The following is an entry in ClinVar:

NM_173500.4(TTBK2):c.3515G>T (p.Gly1172Val)

Gene: TTBK2 (tau tubulin kinase 2; minus strand). Cytogenetic location: 15q15.2.
Variant type: single nucleotide variant.
Coding change: c.3515G>T on transcript NM_173500.4 (MANE Select); coding-DNA position 3515, G replaced by T.
Protein change: p.Gly1172Val; replaces glycine 1172 with valine.
Molecular consequence: missense variant.
Genome position (GRCh38, 1-based): chr15:42,746,015, C>A on the plus strand (G>T on the coding strand, the complement: TTBK2 is on the minus strand). VCF-style: chr15-42746015-C-A. GRCh37 (hg19) VCF-style: chr15-43038213-C-A.
Other names: short protein forms G1172V.
Identifiers: ClinVar variation 4772257 (VCV004772257.1).
Genomic context (GRCh38, chr15:42,746,015, plus strand): 5'-GGAGGTGACTTGCTTCTCCCCAGATGTGGGGACGAACTCCTCTGGTCATGGTGGGGCCGT[C>A]CAGCCCTAGATGGTGAGGAACTAGACGTGCGAGGCAAGGATGAGCTTCGAGGAGAGGCAC-3'
Protein context (NP_775771.3, residues 1162-1182): RTSSSSPSRA[Gly1172Val]RPHHDQRSSS

ClinVar aggregate classification (germline): Uncertain significance (1 of 4 stars; one submission).

gnomAD v4.1: 11 of 1,614,064 alleles (0.00068%); highest among the groups gnomAD compares: Non-Finnish European, 0.00085%; no homozygotes.

Submission:

Labcorp Genetics (formerly Invitae), Labcorp
Classification: Uncertain significance. Last evaluated: 2025-04-17. Review status: criteria provided, single submitter. Criteria: Invitae Variant Classification Sherloc (09022015). Collection method: clinical testing. Allele origin: germline.
Comment: This sequence change replaces glycine, which is neutral and non-polar, with valine, which is neutral and non-polar, at codon 1172 of the TTBK2 protein (p.Gly1172Val). This variant is present in population databases (rs764592156, gnomAD 0.004%). This variant has not been reported in the literature in individuals affected with TTBK2-related conditions. An algorithm developed to predict the effect of missense changes on protein structure and function (PolyPhen-2) suggests that this variant is likely to be disruptive. In summary, the available evidence is currently insufficient to determine the role of this variant in disease. Therefore, it has been classified as a Variant of Uncertain Significance.